The following is an entry in ClinVar:

ClinVar aggregate classification (germline): Uncertain significance (1 of 4 stars; one submission).

Submission:

Ambry Genetics
Classification: Uncertain significance. Last evaluated: 2021-12-29. Review status: criteria provided, single submitter. Criteria: Ambry Variant Classification Scheme 2023. Collection method: clinical testing. Allele origin: germline.
Comment: The p.L202V variant (also known as c.604C>G), located in coding exon 1 of the EGLN2 gene, results from a C to G substitution at nucleotide position 604. The leucine at codon 202 is replaced by valine, an amino acid with highly similar properties. This amino acid position is conserved. In addition, this alteration is predicted to be tolerated by in silico analysis. Since supporting evidence is limited at this time, the clinical significance of this alteration remains unclear.

NM_080732.4(EGLN2):c.604C>G (p.Leu202Val)

Genes: EGLN2 (egl-9 family hypoxia inducible factor 2; plus strand), RAB4B-EGLN2 (RAB4B-EGLN2 readthrough (NMD candidate); plus strand). Cytogenetic location: 19q13.2.
Variant type: single nucleotide variant.
Coding change: c.604C>G on transcript NM_080732.4 (MANE Select); coding-DNA position 604, C replaced by G.
Protein change: p.Leu202Val; replaces leucine 202 with valine.
Molecular consequence: missense variant. On other transcripts: non-coding transcript variant (1).
Genome position (GRCh38, 1-based): chr19:40,801,176, C>G. VCF-style: chr19-40801176-C-G. GRCh37 (hg19) VCF-style: chr19-41307081-C-G.
Other names: c.604C>G, p.Leu202Val (NM_053046.4); short protein forms L202V.
Identifiers: ClinVar variation 1751266 (VCV001751266.2), dbSNP rs533721820, ClinGen allele CA405955609.